The following is an entry in ClinVar:

NM_001903.5(CTNNA1):c.795C>G (p.Asp265Glu)

Gene: CTNNA1 (catenin alpha 1; plus strand). Cytogenetic location: 5q31.2.
Variant type: single nucleotide variant.
Coding change: c.795C>G on transcript NM_001903.5 (MANE Select); coding-DNA position 795, C replaced by G.
Protein change: p.Asp265Glu; replaces aspartic acid 265 with glutamic acid.
Molecular consequence: missense variant.
Genome position (GRCh38, 1-based): chr5:138,824,736, C>G. VCF-style: chr5-138824736-C-G. GRCh37 (hg19) VCF-style: chr5-138160425-C-G.
Other names: c.795C>G, p.Asp265Glu (NM_001290307.3, NM_001323982.2, NM_001323983.1 and 3 more transcripts); c.486C>G, p.Asp162Glu (NM_001290309.3); c.426C>G, p.Asp142Glu (NM_001290310.3); c.795C>G (NM_001903.4); short protein forms D162E, D142E, D265E.
Identifiers: ClinVar variation 646025 (VCV000646025.13), dbSNP rs148239804, ClinGen allele CA3431559.

ClinVar aggregate classification (germline): Conflicting classifications of pathogenicity. Review status: criteria provided, conflicting classifications (1 of 4 stars). 4 submissions from 4 submitters: Uncertain significance (2); Benign (1). 1 of the submissions does not count toward it. Last evaluated 2026-01-26.

Conditions:
CTNNA1-related disorder. Also called: CTNNA1-related condition.
Hereditary cancer-predisposing syndrome. Also called: Hereditary Cancer Syndrome; Tumor predisposition; Hereditary neoplastic syndrome; Neoplastic Syndromes, Hereditary. Identifiers: Orphanet 140162, MedGen C0027672, MeSH D009386, MONDO:0015356.

Allele frequency attached by ClinVar (database versions not stated): gnomAD 0.00013; 1000 Genomes Project 30x 0.00016; 1000 Genomes Project 0.00020; ESP Exome Variant Server 0.00023; TOPMed 0.00029.

Submissions (4):

Labcorp Genetics (formerly Invitae), Labcorp
Classification: Uncertain significance. Last evaluated: 2026-01-26. Review status: criteria provided, single submitter. Criteria: Invitae Variant Classification Sherloc (09022015). Collection method: clinical testing. Allele origin: germline.
Comment: This sequence change replaces aspartic acid, which is acidic and polar, with glutamic acid, which is acidic and polar, at codon 265 of the CTNNA1 protein (p.Asp265Glu). This variant is present in population databases (rs148239804, gnomAD 0.05%), and has an allele count higher than expected for a pathogenic variant. This variant has not been reported in the literature in individuals affected with CTNNA1-related conditions. ClinVar contains an entry for this variant (Variation ID: 646025). Invitae Evidence Modeling of protein sequence and biophysical properties (such as structural, functional, and spatial information, amino acid conservation, physicochemical variation, residue mobility, and thermodynamic stability) indicates that this missense variant is not expected to disrupt CTNNA1 protein function with a negative predictive value of 80%. In summary, the available evidence is currently insufficient to determine the role of this variant in disease. Therefore, it has been classified as a Variant of Uncertain Significance.

GeneDx
Classification: Uncertain significance. Last evaluated: 2025-02-12. Review status: criteria provided, single submitter. Criteria: GeneDx Variant Classification Process June 2021. Collection method: clinical testing. Allele origin: germline. Affected: yes.
Comment: In silico analysis indicates that this missense variant does not alter protein structure/function; Has not been previously published as pathogenic or benign to our knowledge; This variant is associated with the following publications: (PMID: 32051609)

Ambry Genetics
Classification: Benign for Hereditary cancer-predisposing syndrome. Last evaluated: 2022-01-27. Review status: criteria provided, single submitter. Criteria: Ambry Variant Classification Scheme 2023. Collection method: clinical testing. Allele origin: germline.

PreventionGenetics, part of Exact Sciences
Classification: Likely benign for CTNNA1-related condition. Last evaluated: 2022-04-14. Review status: no assertion criteria provided. Collection method: clinical testing. Allele origin: germline. Not counted in ClinVar's aggregate classification.
Comment: This variant is classified as likely benign based on ACMG/AMP sequence variant interpretation guidelines (Richards et al. 2015 PMID: 25741868, with internal and published modifications).

Literature cited by the submitters: PubMed 32051609 (cited by Ambry Genetics).